The following is an entry in ClinVar:

NM_001353345.2(SETD1B):c.3610G>A (p.Ala1204Thr)

Gene: SETD1B (SET domain containing 1B, histone lysine methyltransferase; plus strand). Cytogenetic location: 12q24.31.
Variant type: single nucleotide variant.
Coding change: c.3610G>A on transcript NM_001353345.2 (MANE Select); coding-DNA position 3610, G replaced by A.
Protein change: p.Ala1204Thr; replaces alanine 1204 with threonine.
Molecular consequence: missense variant.
Genome position (GRCh38, 1-based): chr12:121,819,595, G>A. VCF-style: chr12-121819595-G-A. GRCh37 (hg19) VCF-style: chr12-122257501-G-A.
Other names: short protein forms A1204T.
Identifiers: ClinVar variation 3381246 (VCV003381246.2).

ClinVar aggregate classification (germline): Uncertain significance (1 of 4 stars; one submission).

Conditions:
Intellectual developmental disorder with seizures and language delay (IDDSELD). Identifiers: MedGen C5436574, MONDO:0033559, OMIM 619000.

Submission:

Servicio de Genética Del Instituto Nacional de Salud Del Niño, Ministerio de Salud
Classification: Uncertain significance for Intellectual developmental disorder with seizures and language delay. Last evaluated: 2024-11-18. Review status: criteria provided, single submitter. Criteria: ACMG Guidelines, 2015. Collection method: clinical testing. Allele origin: germline. Inheritance: Autosomal dominant inheritance.
Comment: The variant NM_001353345.2:c.3610G>A results in the substitution of alanine with threonine at position 1204 in the protein. Alanine is a small, non-polar amino acid, while threonine contains a hydroxyl group, making it polar. This change could potentially affect the protein's structure or function. Based on PP2 (observed in a gene with a known functional effect) and BP4 (in silico predictions suggest a damaging effect), this variant is classified as of uncertain significance (VUS).